The following is an entry in ClinVar:

ClinVar aggregate classification (germline): Pathogenic (1 of 4 stars; one submission).

Conditions:
Perlman syndrome (PRLMNS). Identifiers: Orphanet 2849, MedGen C0796113, MONDO:0009965, OMIM 267000.

Submission:

Labcorp Genetics (formerly Invitae), Labcorp
Classification: Pathogenic for Perlman syndrome. Last evaluated: 2022-10-07. Review status: criteria provided, single submitter. Criteria: Invitae Variant Classification Sherloc (09022015). Collection method: clinical testing. Allele origin: germline.
Comment: This variant is a gross deletion of the genomic region encompassing exon(s) 7 of the DIS3L2 gene. This deletion is out-of-frame, and is expected to create a premature termination codon and result in an absent or disrupted protein product. Loss-of-function variants in DIS3L2 are known to be pathogenic (PMID: 22306653, 28328139). This variant has not been reported in the literature in individuals affected with DIS3L2-related conditions. For these reasons, this variant has been classified as Pathogenic.

Literature cited by the submitters: PubMed 22306653; PubMed 28328139.

NC_000002.12:g.(?_232130609)_(232130729_?)del

Gene: DIS3L2 (DIS3 like 3'-5' exoribonuclease 2; plus strand). Cytogenetic location: 2q37.1.
Variant type: Deletion.
Identifiers: ClinVar variation 830871 (VCV000830871.2).